The following is an entry in ClinVar:

NM_022489.4(INF2):c.3133C>T (p.Arg1045Trp)

Gene: INF2 (inverted formin 2; plus strand). Cytogenetic location: 14q32.33.
Variant type: single nucleotide variant.
Coding change: c.3133C>T on transcript NM_022489.4 (MANE Select); coding-DNA position 3133, C replaced by T.
Protein change: p.Arg1045Trp; replaces arginine 1045 with tryptophan.
Molecular consequence: missense variant.
Genome position (GRCh38, 1-based): chr14:104,714,295, C>T. VCF-style: chr14-104714295-C-T. GRCh37 (hg19) VCF-style: chr14-105180632-C-T.
Other names: c.3133C>T, p.Arg1045Trp (NM_001031714.4); short protein forms R1045W.
Identifiers: ClinVar variation 472850 (VCV000472850.15), dbSNP rs780428043, ClinGen allele CA7373186.

ClinVar aggregate classification (germline): Conflicting classifications of pathogenicity. Review status: criteria provided, conflicting classifications (1 of 4 stars). 5 submissions from 5 submitters: Uncertain significance (1); Likely benign (3). 1 of the submissions does not count toward it. Last evaluated 2026-02-17.

Conditions:
Inborn genetic diseases. Identifiers: MedGen C0950123, MeSH D030342.
Nephrotic syndrome. Identifiers: MedGen C0027726, MONDO:0005377, HP:0000100.
Charcot-Marie-Tooth disease dominant intermediate E. Also called: CHARCOT-MARIE-TOOTH NEUROPATHY WITH FOCAL SEGMENTAL GLOMERULONEPHRITIS. Identifiers: Orphanet 93114, MedGen C4302667, MONDO:0013758, OMIM 614455.
Focal segmental glomerulosclerosis 5 (FSGS5). Identifiers: Orphanet 656, MedGen C2750475, MONDO:0013191, OMIM 613237.

Allele frequency attached by ClinVar (database versions not stated): ExAC 0.00004; gnomAD 0.00004; gnomAD exomes 0.00004; TOPMed 0.00004.
gnomAD v4.1: 49 of 1,592,008 alleles (0.0031%); highest among the groups gnomAD compares: Middle Eastern, 0.017%; no homozygotes.

Submissions (5):

Women's Health and Genetics/Laboratory Corporation of America, LabCorp
Classification: Likely benign. Last evaluated: 2026-02-17. Review status: criteria provided, single submitter. Criteria: LabCorp Variant Classification Summary - May 2015. Collection method: clinical testing. Allele origin: germline.
Comment: Variant summary: INF2 c.3133C>T (p.Arg1045Trp) results in a non-conservative amino acid change in the encoded protein sequence. Algorithms developed to predict the effect of missense changes on protein structure and function are either unavailable or do not agree on the potential impact of this missense change. The variant allele was found at a frequency of 3.1e-05 in 1592008 control chromosomes. The observed variant frequency exceeds the estimated maximal expected allele frequency for disease-causing variants in INF2. c.3133C>T has been observed in an individual from an inherited kidney disease cohort, but without strong evidence of causality (Mallett_2017). This report does not provide unequivocal conclusions about association of the variant with Charcot-Marie-Tooth disease dominant intermediate E. To our knowledge, no experimental evidence demonstrating an impact on protein function has been reported. The following publication has been ascertained in the context of this evaluation (PMID: 28844315). ClinVar contains an entry for this variant (Variation ID: 472850). Based on the evidence outlined above, the variant was classified as likely benign.

Labcorp Genetics (formerly Invitae), Labcorp
Classification: Likely benign for Charcot-Marie-Tooth disease dominant intermediate E; Focal segmental glomerulosclerosis 5. Last evaluated: 2024-08-31. Review status: criteria provided, single submitter. Criteria: Invitae Variant Classification Sherloc (09022015). Collection method: clinical testing. Allele origin: germline.

Fulgent Genetics
Classification: Uncertain significance for Focal segmental glomerulosclerosis 5; Charcot-Marie-Tooth disease dominant intermediate E. Last evaluated: 2021-12-05. Review status: criteria provided, single submitter. Criteria: ACMG Guidelines, 2015. Collection method: clinical testing. Allele origin: unknown.

Ambry Genetics
Classification: Likely benign for Inborn genetic diseases. Last evaluated: 2019-12-13. Review status: criteria provided, single submitter. Criteria: Ambry Variant Classification Scheme 2023. Collection method: clinical testing. Allele origin: germline.

Sydney Genome Diagnostics, Children's Hospital Westmead
Classification: Uncertain significance for Nephrotic syndrome. Last evaluated: 2018-10-25. Review status: no assertion criteria provided. Collection method: clinical testing. Allele origin: unknown. Affected: yes. Observed: 1 variant allele, 1 heterozygote. Not counted in ClinVar's aggregate classification.
Comment: To our knowledge, this variant has not been previously reported. p.Arg1045 is a weakly conserved amino acid (considering 12 species) and there is a moderate physicochemical difference between the wild type arginine and the variant tryptophan. In silico analysis (Alamut Visual v2.4) is inconclusive regarding this variant. Align GVGD and Mutation Taster predict this variant to be benign whereas PolyPhen and SIFT predict it to be pathogenic.

Literature cited by the submitters: PubMed 28844315 (cited by Women's Health and Genetics/Laboratory Corporation of America, LabCorp).